The following is an entry in ClinVar:

ClinVar aggregate classification (germline): Uncertain significance (1 of 4 stars; one submission).

Conditions:
Inborn genetic diseases. Identifiers: MedGen C0950123, MeSH D030342.

gnomAD v4.1: 5 of 1,613,312 alleles (0.00031%); highest among the groups gnomAD compares: Non-Finnish European, 0.00034%; no homozygotes.

Submission:

Ambry Genetics
Classification: Uncertain significance for Inborn genetic diseases. Last evaluated: 2025-11-20. Review status: criteria provided, single submitter. Criteria: Ambry Variant Classification Scheme 2023. Collection method: clinical testing. Allele origin: germline.
Comment: The c.1172G>C (p.R391P) alteration is located in exon 10 (coding exon 9) of the PPFIA3 gene. This alteration results from a G to C substitution at nucleotide position 1172, causing the arginine (R) at amino acid position 391 to be replaced by a proline (P). Based on data from gnomAD, the C allele has an overall frequency of 0.003% (1/31384) total alleles studied. The highest observed frequency was 0.007% (1/15414) of European (non-Finnish) alleles. Based on insufficient or conflicting evidence, the clinical significance of this alteration remains unclear.

NM_003660.4(PPFIA3):c.1172G>C (p.Arg391Pro)

Gene: PPFIA3 (PPFI scaffold protein A3; plus strand). Cytogenetic location: 19q13.33.
Variant type: single nucleotide variant.
Coding change: c.1172G>C on transcript NM_003660.4 (MANE Select); coding-DNA position 1172, G replaced by C.
Protein change: p.Arg391Pro; replaces arginine 391 with proline.
Molecular consequence: missense variant. On other transcripts: non-coding transcript variant (1).
Genome position (GRCh38, 1-based): chr19:49,133,806, G>C. VCF-style: chr19-49133806-G-C. GRCh37 (hg19) VCF-style: chr19-49637063-G-C.
Other names: short protein forms R391P.
Identifiers: ClinVar variation 4628241 (VCV004628241.1).